The following is an entry in ClinVar:

ClinVar aggregate classification (germline): Uncertain significance. Review status: criteria provided, multiple submitters, no conflicts (2 of 4 stars). 2 submissions from 2 submitters: Uncertain significance (2). Last evaluated 2023-11-27.

Conditions:
Inborn genetic diseases. Identifiers: MedGen C0950123, MeSH D030342.
Facioscapulohumeral muscular dystrophy 2 (FSHD2). Also called: FACIOSCAPULOHUMERAL MUSCULAR DYSTROPHY 2, DIGENIC; FSHD2, DIGENIC; MUSCULAR DYSTROPHY, FACIOSCAPULOHUMERAL, TYPE 1B. Identifiers: Orphanet 269, MedGen C1834671, MONDO:0008031, OMIM 158901.

Allele frequency attached by ClinVar (database versions not stated): gnomAD 0.00001; gnomAD exomes 0.00001; ExAC 0.00006.
gnomAD v4.1: 11 of 1,612,530 alleles (0.00068%); highest among the groups gnomAD compares: East Asian, 0.022%; no homozygotes.

Submissions (2):

Ambry Genetics
Classification: Uncertain significance for Inborn genetic diseases. Last evaluated: 2023-11-27. Review status: criteria provided, single submitter. Criteria: Ambry Variant Classification Scheme 2023. Collection method: clinical testing. Allele origin: germline.

Labcorp Genetics (formerly Invitae), Labcorp
Classification: Uncertain significance for Facioscapulohumeral muscular dystrophy 2. Last evaluated: 2022-06-15. Review status: criteria provided, single submitter. Criteria: Invitae Variant Classification Sherloc (09022015). Collection method: clinical testing. Allele origin: germline.
Comment: Algorithms developed to predict the effect of missense changes on protein structure and function are either unavailable or do not agree on the potential impact of this missense change (SIFT: "Tolerated"; PolyPhen-2: "Possibly Damaging"; Align-GVGD: "Class C0"). In summary, the available evidence is currently insufficient to determine the role of this variant in disease. Therefore, it has been classified as a Variant of Uncertain Significance. This variant has not been reported in the literature in individuals affected with SMCHD1-related conditions. This variant is present in population databases (rs748598412, gnomAD 0.05%). This sequence change replaces serine, which is neutral and polar, with phenylalanine, which is neutral and non-polar, at codon 1117 of the SMCHD1 protein (p.Ser1117Phe).

NM_015295.3(SMCHD1):c.3350C>T (p.Ser1117Phe)

Gene: SMCHD1 (structural maintenance of chromosomes flexible hinge domain containing 1; plus strand). Cytogenetic location: 18p11.32.
Variant type: single nucleotide variant.
Coding change: c.3350C>T on transcript NM_015295.3 (MANE Select); coding-DNA position 3350, C replaced by T.
Protein change: p.Ser1117Phe; replaces serine 1117 with phenylalanine.
Molecular consequence: missense variant.
Genome position (GRCh38, 1-based): chr18:2,738,470, C>T. VCF-style: chr18-2738470-C-T. GRCh37 (hg19) VCF-style: chr18-2738468-C-T.
Other names: c.3350C>T (NM_015295.2); short protein forms S1117F.
Identifiers: ClinVar variation 2040364 (VCV002040364.5), dbSNP rs748598412, ClinGen allele CA8871179.